The following is an entry in ClinVar:

ClinVar aggregate classification (germline): Uncertain significance (1 of 4 stars; one submission).

Allele frequency attached by ClinVar (database versions not stated): TOPMed below 0.00001.
gnomAD v4.1: 1 of 1,614,200 alleles (0.000062%); highest among the groups gnomAD compares: Non-Finnish European, 0.000085%; no homozygotes.

Submission:

Labcorp Genetics (formerly Invitae), Labcorp
Classification: Uncertain significance. Last evaluated: 2024-12-24. Review status: criteria provided, single submitter. Criteria: Invitae Variant Classification Sherloc (09022015). Collection method: clinical testing. Allele origin: germline.
Comment: This sequence change replaces alanine, which is neutral and non-polar, with threonine, which is neutral and polar, at codon 179 of the CSF1R protein (p.Ala179Thr). This variant is present in population databases (no rsID available, gnomAD 0.0009%). This variant has not been reported in the literature in individuals affected with CSF1R-related conditions. ClinVar contains an entry for this variant (Variation ID: 3003134). Invitae Evidence Modeling of protein sequence and biophysical properties (such as structural, functional, and spatial information, amino acid conservation, physicochemical variation, residue mobility, and thermodynamic stability) indicates that this missense variant is not expected to disrupt CSF1R protein function with a negative predictive value of 95%. In summary, the available evidence is currently insufficient to determine the role of this variant in disease. Therefore, it has been classified as a Variant of Uncertain Significance.

NM_001288705.3(CSF1R):c.535G>A (p.Ala179Thr)

Gene: CSF1R (colony stimulating factor 1 receptor; minus strand). Cytogenetic location: 5q32.
Variant type: single nucleotide variant.
Coding change: c.535G>A on transcript NM_001288705.3 (MANE Select); coding-DNA position 535, G replaced by A.
Protein change: p.Ala179Thr; replaces alanine 179 with threonine.
Molecular consequence: missense variant. On other transcripts: non-coding transcript variant (2).
Genome position (GRCh38, 1-based): chr5:150,080,109, C>T on the plus strand (G>A on the coding strand, the complement: CSF1R is on the minus strand). VCF-style: chr5-150080109-C-T. GRCh37 (hg19) VCF-style: chr5-149459672-C-T.
Other names: c.535G>A, p.Ala179Thr (NM_005211.4, NM_001349736.2, NM_001375320.1); c.91G>A, p.Ala31Thr (NM_001375321.1); short protein forms A179T, A31T.
Identifiers: ClinVar variation 3003134 (VCV003003134.3), dbSNP rs1362664764, ClinGen allele CA361732898.
Genomic context (GRCh38, chr5:150,080,109, plus strand): 5'-CACCTTTCTGCACTTTCAGCCGGATGCTGATGGACATCACCTTCCTGCCACCCATCAGGG[C>T]ACTGCATTGATAGTCCTGGCTCTGAATGAACTTGGCCCTGTGGATGGTGAAGCCATGCCA-3'
Protein context (NP_001275634.1, residues 169-189): FIQSQDYQCS[Ala179Thr]LMGGRKVMSI